The following is an entry in ClinVar:

NM_005963.4(MYH1):c.3696C>T (p.Ile1232=)

Genes: MYH1 (myosin heavy chain 1; minus strand), MYHAS (myosin heavy chain gene cluster antisense RNA; plus strand). Cytogenetic location: 17p13.1.
Variant type: single nucleotide variant.
Coding change: c.3696C>T on transcript NM_005963.4 (MANE Select); coding-DNA position 3696, C replaced by T.
Protein change: p.Ile1232=; no amino-acid change (isoleucine 1232 retained).
Molecular consequence: synonymous variant.
Genome position (GRCh38, 1-based): chr17:10,501,152, G>A on the plus strand (C>T on the coding strand, the complement: MYH1 is on the minus strand). VCF-style: chr17-10501152-G-A. GRCh37 (hg19) VCF-style: chr17-10404469-G-A.
Identifiers: ClinVar variation 4977900 (VCV004977900.1).

ClinVar aggregate classification (germline): Likely benign (1 of 4 stars; one submission).

Conditions:
MYH1-related disorder. Also called: MYH1-related condition.

gnomAD v4.1: 16 of 1,614,028 alleles (0.00099%); highest among the groups gnomAD compares: Middle Eastern, 0.033%; no homozygotes.

Submission:

PreventionGenetics, part of Exact Sciences
Classification: Likely benign for MYH1-related condition. Last evaluated: 2025-02-14. Review status: criteria provided, single submitter. Criteria: ACMG Guidelines, 2015. Collection method: clinical testing. Allele origin: germline.
Comment: This variant is classified as likely benign based on ACMG/AMP sequence variant interpretation guidelines (Richards et al. 2015 PMID: 25741868, with internal and published modifications).